The following is an entry in ClinVar:

NM_001083124.1(SPATA31A3):c.1807A>G (p.Ile603Val)

Gene: SPATA31A3 (SPATA31 subfamily A member 3; minus strand). Cytogenetic location: 9q21.11.
Variant type: single nucleotide variant.
Coding change: c.1807A>G on transcript NM_001083124.1 (MANE Select); coding-DNA position 1807, A replaced by G.
Protein change: p.Ile603Val; replaces isoleucine 603 with valine.
Molecular consequence: missense variant.
Genome position (GRCh38, 1-based): chr9:66,988,691, T>C on the plus strand (A>G on the coding strand, the complement: SPATA31A3 is on the minus strand). VCF-style: chr9-66988691-T-C. GRCh37 (hg19) VCF-style: chr9-40704150-A-G.
Other names: short protein forms I603V.
Identifiers: ClinVar variation 2401506 (VCV002401506.3), dbSNP rs878931887, ClinGen allele CA193902086.

ClinVar aggregate classification (germline): Uncertain significance (1 of 4 stars; one submission).

Allele frequency attached by ClinVar (database versions not stated): 1000 Genomes Project 30x 0.00031; gnomAD exomes 0.00016.

Submission:

Ambry Genetics
Classification: Uncertain significance. Last evaluated: 2026-05-10. Review status: criteria provided, single submitter. Criteria: Ambry Variant Classification Scheme 2023. Collection method: clinical testing. Allele origin: germline.
Comment: The c.1807A>G (p.I603V) alteration is located in exon 4 (coding exon 4) of the SPATA31A3 gene. This alteration results from a A to G substitution at nucleotide position 1807, causing the isoleucine (I) at amino acid position 603 to be replaced by a valine (V). Based on data from gnomAD, the G allele has an overall frequency of 0.017% (5/29618) total alleles studied. The highest observed frequency was 0.124% (4/3224) of South Asian alleles. Based on insufficient or conflicting evidence, the clinical significance of this alteration remains unclear.